The following is an entry in ClinVar:

NM_003238.6(TGFB2):c.251G>A (p.Arg84Gln)

Gene: TGFB2 (transforming growth factor beta 2; plus strand). Cytogenetic location: 1q41.
Variant type: single nucleotide variant.
Coding change: c.251G>A on transcript NM_003238.6 (MANE Select); coding-DNA position 251, G replaced by A.
Protein change: p.Arg84Gln; replaces arginine 84 with glutamine.
Molecular consequence: missense variant. On other transcripts: non-coding transcript variant (2).
Genome position (GRCh38, 1-based): chr1:218,346,952, G>A. VCF-style: chr1-218346952-G-A. GRCh37 (hg19) VCF-style: chr1-218520294-G-A.
Other names: c.251G>A, p.Arg84Gln (NM_001135599.4); short protein forms R84Q.
Identifiers: ClinVar variation 1312781 (VCV001312781.5), dbSNP rs781392453, ClinGen allele CA1398389.

ClinVar aggregate classification (germline): Uncertain significance. Review status: criteria provided, multiple submitters, no conflicts (2 of 4 stars). 4 submissions from 4 submitters: Uncertain significance (4). Last evaluated 2024-01-28.

Conditions:
Loeys-Dietz syndrome 4 (LDS4). Also called: TGFB2-Related Loeys-Dietz Syndrome; ANEURYSM, AORTIC AND CEREBRAL, WITH ARTERIAL TORTUOSITY AND SKELETAL MANIFESTATIONS. Identifiers: MedGen C3553762, MONDO:0013897, OMIM 614816.
Familial thoracic aortic aneurysm and aortic dissection (TAAD). Also called: Thoracic aortic aneurysms and dissections. Identifiers: Orphanet 91387, MedGen C4707243, MONDO:0019625.

Allele frequency attached by ClinVar (database versions not stated): gnomAD exomes 0.00002; ExAC 0.00005.
gnomAD v4.1: 16 of 1,613,978 alleles (0.00099%); highest among the groups gnomAD compares: Middle Eastern, 0.017%; no homozygotes.

Submissions (4):

Labcorp Genetics (formerly Invitae), Labcorp
Classification: Uncertain significance for Loeys-Dietz syndrome 4. Last evaluated: 2024-01-28. Review status: criteria provided, single submitter. Criteria: Invitae Variant Classification Sherloc (09022015). Collection method: clinical testing. Allele origin: germline.
Comment: This sequence change replaces arginine, which is basic and polar, with glutamine, which is neutral and polar, at codon 84 of the TGFB2 protein (p.Arg84Gln). This variant is present in population databases (rs781392453, gnomAD 0.01%). This variant has not been reported in the literature in individuals affected with TGFB2-related conditions. ClinVar contains an entry for this variant (Variation ID: 1312781). Advanced modeling of protein sequence and biophysical properties (such as structural, functional, and spatial information, amino acid conservation, physicochemical variation, residue mobility, and thermodynamic stability) performed at Invitae indicates that this missense variant is not expected to disrupt TGFB2 protein function with a negative predictive value of 95%. In summary, the available evidence is currently insufficient to determine the role of this variant in disease. Therefore, it has been classified as a Variant of Uncertain Significance.

Ambry Genetics
Classification: Uncertain significance for Familial thoracic aortic aneurysm and aortic dissection. Last evaluated: 2023-11-08. Review status: criteria provided, single submitter. Criteria: Ambry Variant Classification Scheme 2023. Collection method: clinical testing. Allele origin: germline.
Comment: The p.R84Q variant (also known as c.251G>A), located in coding exon 1 of the TGFB2 gene, results from a G to A substitution at nucleotide position 251. The arginine at codon 84 is replaced by glutamine, an amino acid with highly similar properties. This amino acid position is conserved. In addition, this alteration is predicted to be tolerated by in silico analysis. Since supporting evidence is limited at this time, the clinical significance of this alteration remains unclear.

Center for Genomics, Ann and Robert H. Lurie Children's Hospital of Chicago
Classification: Uncertain significance for Loeys-Dietz syndrome 4. Last evaluated: 2022-03-15. Review status: criteria provided, single submitter. Criteria: ACMG Guidelines, 2015. Collection method: clinical testing. Allele origin: germline.
Comment: This variant has not been reported in the literature but is present in 0.01% (4/30594) of South Asian alleles in the Genome Aggregation Database and in ClinVar (Variation ID:1312781). Evolutionary conservation and computational predictive tools suggest that this variant may not impact the protein. In summary, data on this variant is insufficient for disease classification. Therefore, the clinical significance of this variant is uncertain.

GeneDx
Classification: Uncertain significance. Last evaluated: 2020-06-25. Review status: criteria provided, single submitter. Criteria: GeneDx Variant Classification Process June 2021. Collection method: clinical testing. Allele origin: germline. Affected: yes.
Comment: Has not been previously published as pathogenic or benign to our knowledge; Not observed at a significant frequency in large population cohorts (Lek et al., 2016); In silico analysis supports that this missense variant does not alter protein structure/function